The following is an entry in ClinVar:

NM_000785.4(CYP27B1):c.1136+1G>T

Gene: CYP27B1 (cytochrome P450 family 27 subfamily B member 1; minus strand). Cytogenetic location: 12q14.1.
Variant type: single nucleotide variant.
Coding change: c.1136+1G>T on transcript NM_000785.4 (MANE Select); the canonical splice donor site of the intron after coding-DNA position 1136, G replaced by T.
Molecular consequence: splice donor variant.
Genome position (GRCh38, 1-based): chr12:57,764,377, C>A on the plus strand (G>T on the coding strand, the complement: CYP27B1 is on the minus strand). VCF-style: chr12-57764377-C-A. GRCh37 (hg19) VCF-style: chr12-58158160-C-A.
Identifiers: ClinVar variation 2137381 (VCV002137381.4), dbSNP rs1955341260, ClinGen allele CA385503039.
Genomic context (GRCh38, chr12:57,764,377, plus strand): 5'-TAGTTGCTTCCCCAGCCCTTCCTTGGCATTTCCTCTTGTTCCTCCTCTCCTTCCCCCTCA[C>A]CTTAGCACTTCCTTGACCACCGCCTTCAGCAGGGGCAGCTGGGACAGAACAGTGGCTGAG-3'

ClinVar aggregate classification (germline): Pathogenic (1 of 4 stars; one submission).

Allele frequency attached by ClinVar (database versions not stated): TOPMed below 0.00001; gnomAD 0.00001.

Submission:

Labcorp Genetics (formerly Invitae), Labcorp
Classification: Pathogenic. Last evaluated: 2023-09-03. Review status: criteria provided, single submitter. Criteria: Invitae Variant Classification Sherloc (09022015). Collection method: clinical testing. Allele origin: germline.
Comment: For these reasons, this variant has been classified as Pathogenic. Algorithms developed to predict the effect of sequence changes on RNA splicing suggest that this variant may disrupt the consensus splice site. ClinVar contains an entry for this variant (Variation ID: 2137381). This variant is also known as IVS6+1G>T. Disruption of this splice site has been observed in individual(s) with pseudovitamin D deficiency rickets (PMID: 12109629). In at least one individual the data is consistent with being in trans (on the opposite chromosome) from a pathogenic variant. This variant is not present in population databases (gnomAD no frequency). This sequence change affects a donor splice site in intron 6 of the CYP27B1 gene. It is expected to disrupt RNA splicing. Variants that disrupt the donor or acceptor splice site typically lead to a loss of protein function (PMID: 16199547), and loss-of-function variants in CYP27B1 are known to be pathogenic (PMID: 9837822, 17488797).

Literature cited by the submitters: PubMed 12109629; PubMed 16199547; PubMed 9837822; PubMed 17488797.